The following is an entry in ClinVar:

NM_199420.4(POLQ):c.5916A>T (p.Lys1972Asn)

Gene: POLQ (DNA polymerase theta; minus strand). Cytogenetic location: 3q13.33.
Variant type: single nucleotide variant.
Coding change: c.5916A>T on transcript NM_199420.4 (MANE Select); coding-DNA position 5916, A replaced by T.
Protein change: p.Lys1972Asn; replaces lysine 1972 with asparagine.
Molecular consequence: missense variant.
Genome position (GRCh38, 1-based): chr3:121,483,440, T>A on the plus strand (A>T on the coding strand, the complement: POLQ is on the minus strand). VCF-style: chr3-121483440-T-A. GRCh37 (hg19) VCF-style: chr3-121202287-T-A.
Other names: short protein forms K1972N.
Identifiers: ClinVar variation 1750469 (VCV001750469.2), dbSNP rs143180800, ClinGen allele CA354088505.
Genomic context (GRCh38, chr3:121,483,440, plus strand): 5'-TAGAACCTTAGGATCTTCATAACTTTGCTCCAAGGAGATGCCACAAGAAAGAAGAAGAAT[T>A]TTATAGCTCTGGATGAAGTCATAGATGACAACAGAACATTCTTTATCAGATTCCTTTCGC-3'
Protein context (NP_955452.3, residues 1962-1982): VVIYDFIQSY[Lys1972Asn]ILLLSCGISL

ClinVar aggregate classification (germline): Uncertain significance (1 of 4 stars; one submission).

Submission:

Ambry Genetics
Classification: Uncertain significance. Last evaluated: 2022-10-08. Review status: criteria provided, single submitter. Criteria: Ambry Variant Classification Scheme 2023. Collection method: clinical testing. Allele origin: germline.
Comment: The p.K1972N variant (also known as c.5916A>T), located in coding exon 18 of the POLQ gene, results from an A to T substitution at nucleotide position 5916. The lysine at codon 1972 is replaced by asparagine, an amino acid with similar properties. This amino acid position is conserved. In addition, this alteration is predicted to be tolerated by in silico analysis. Since supporting evidence is limited at this time, the clinical significance of this alteration remains unclear.